The following is an entry in ClinVar:

ClinVar aggregate classification (germline): Uncertain significance (1 of 4 stars; one submission).

Conditions:
H syndrome. Also called: Histiocytosis with joint contractures and sensorineural deafness; HISTIOCYTOSIS AND LYMPHADENOPATHY WITH OR WITHOUT CUTANEOUS, CARDIAC, AND/OR ENDOCRINE FEATURES, JOINT CONTRACTURES, AND/OR DEAFNESS; HYPERPIGMENTATION, CUTANEOUS, WITH HYPERTRICHOSIS, HEPATOSPLENOMEGALY, HEART ANOMALIES, AND HYPOGONADISM WITH OR WITHOUT HEARING LOSS; PIGMENTED HYPERTRICHOSIS WITH INSULIN-DEPENDENT DIABETES MELLITUS; ROSAI-DORFMAN DISEASE, FAMILIAL; SINUS HISTIOCYTOSIS AND MASSIVE LYMPHADENOPATHY. Identifiers: Orphanet 168569, MedGen C1864445, MONDO:0011273, OMIM 602782.

Submission:

Labcorp Genetics (formerly Invitae), Labcorp
Classification: Uncertain significance for H syndrome. Last evaluated: 2022-03-27. Review status: criteria provided, single submitter. Criteria: Invitae Variant Classification Sherloc (09022015). Collection method: clinical testing. Allele origin: germline.
Comment: This variant has not been reported in the literature in individuals affected with SLC29A3-related conditions. In summary, the available evidence is currently insufficient to determine the role of this variant in disease. Therefore, it has been classified as a Variant of Uncertain Significance. Algorithms developed to predict the effect of missense changes on protein structure and function (SIFT, PolyPhen-2, Align-GVGD) all suggest that this variant is likely to be tolerated. This variant is not present in population databases (gnomAD no frequency). This sequence change replaces valine, which is neutral and non-polar, with leucine, which is neutral and non-polar, at codon 120 of the SLC29A3 protein (p.Val120Leu).

NM_018344.6(SLC29A3):c.358G>T (p.Val120Leu)

Genes: SLC29A3 (solute carrier family 29 member 3; plus strand), LOC105378353 (uncharacterized LOC105378353; minus strand). Cytogenetic location: 10q22.1.
Variant type: single nucleotide variant.
Coding change: c.358G>T on transcript NM_018344.6 (MANE Select); coding-DNA position 358, G replaced by T.
Protein change: p.Val120Leu; replaces valine 120 with leucine.
Molecular consequence: missense variant.
Genome position (GRCh38, 1-based): chr10:71,344,266, G>T. VCF-style: chr10-71344266-G-T. GRCh37 (hg19) VCF-style: chr10-73104023-G-T.
Other names: c.358G>T, p.Val120Leu (NM_001174098.2); c.124G>T, p.Val42Leu (NM_001363518.2); short protein forms V120L, V42L.
Identifiers: ClinVar variation 2118235 (VCV002118235.4), dbSNP rs1250546184, ClinGen allele CA377129633.
Genomic context (GRCh38, chr10:71,344,266, plus strand): 5'-CAGAACTACTTTGAGAGCTACCTTGCCGTTGCCTCCACCGTGCCCTCCATGCTGTGCCTG[G>T]TGGCCAACTTCCTGCTTGTCAACAGGTAGGCGACTCTCTTCCCTCTCTCAGGCCTCTGCC-3'
Protein context (NP_060814.4, residues 110-130): ASTVPSMLCL[Val120Leu]ANFLLVNRVA